The following is an entry in ClinVar:

NM_001278293.3(ARL6):c.335T>C (p.Leu112Pro)

Gene: ARL6 (ARF like GTPase 6; plus strand). Cytogenetic location: 3q11.2.
Variant type: single nucleotide variant.
Coding change: c.335T>C on transcript NM_001278293.3 (MANE Select); coding-DNA position 335, T replaced by C.
Protein change: p.Leu112Pro; replaces leucine 112 with proline.
Molecular consequence: missense variant. On other transcripts: non-coding transcript variant (7).
Genome position (GRCh38, 1-based): chr3:97,785,035, T>C. VCF-style: chr3-97785035-T-C. GRCh37 (hg19) VCF-style: chr3-97503879-T-C.
Other names: c.335T>C, p.Leu112Pro (NM_001323513.2, NM_001323514.2, NM_032146.5 and 1 more transcripts); short protein forms L112P.
Identifiers: ClinVar variation 3775745 (VCV003775745.1).

ClinVar aggregate classification (germline): Uncertain significance (1 of 4 stars; one submission).

Conditions:
Retinitis pigmentosa 55 (RP55). Identifiers: Orphanet 791, MedGen C3150808, MONDO:0013312, OMIM 613575.

gnomAD v4.1: 1 of 1,612,294 alleles (0.000062%); highest among the groups gnomAD compares: East Asian, 0.0022%; no homozygotes.

Submission:

3billion
Classification: Uncertain significance for Retinitis pigmentosa 55. Last evaluated: 2023-09-14. Review status: criteria provided, single submitter. Criteria: ACMG Guidelines, 2015. Collection method: clinical testing. Allele origin: germline. Affected: yes.
Comment: The variant is observed at an extremely low frequency in the gnomAD v2.1.1 dataset (total allele frequency: 0.000%). Predicted Consequence/Location: Missense variant In silico tool predictions suggest damaging effect of the variant on gene or gene product [REVEL: 0.92 (>=0.6, sensitivity 0.68 and specificity 0.92); 3Cnet: 0.92 (>=0.6, sensitivity 0.72 and precision 0.9)]. Therefore, this variant is classified as VUS according to the recommendation of ACMG/AMP guideline.